The following is an entry in ClinVar:

ClinVar aggregate classification (germline): Uncertain significance (1 of 4 stars; one submission).

Submission:

Illumina Laboratory Services, Illumina
Classification: Uncertain significance. Last evaluated: 2019-11-27. Review status: criteria provided, single submitter. Criteria: ICSL CNVClassificationCriteria Jul2020Prior. Collection method: clinical testing. Allele origin: unknown.
Comment: This CNV is a 23 kb deletion of 21q22.13 on chromosome 21, (seq[GRCh37]del(21)(q22.13); chr21:g.38789355_38812821del) which is inherited. This CNV constitutes a loss that encompasses exon 2 of the NM_001347721.2 transcript of the DYRK1A gene, which is expected to result in deletion of the initiation codon. While this initiation codon is normally used in the most abundant isoform in the brain (Guimera et al. 1999; GTEx data), Maenz et al. (2008) identified a minor alternatively spliced product that excludes exon 2, suggesting the presence of an alternative initiation codon in exon 3. In addition, the most N-terminal variant reported in a patient thus far has been a frameshift variant in exon 3 (Ji et al. 2015). The functional significance of this N-terminal truncation of the DYRK1A protein is currently unclear. This CNV has not been reported in controls. Based on the limited evidence currently available, this CNV is classified as a variant of uncertain significance.

Literature cited by the submitters: PubMed 10329007; PubMed 18366763; PubMed 25944381.

GRCh37/hg19 21q22.13(chr21:38789355-38812821)x1

Gene: DYRK1A (dual specificity tyrosine phosphorylation regulated kinase 1A; plus strand). Cytogenetic location: 21q22.13.
Variant type: copy number loss.
Change: copy number 1 (one copy instead of two) of chr21:38,789,355-38,812,821 (23.5 kb, GRCh37 coordinates, 1-based), cytogenetic band 21q22.13.
Identifiers: ClinVar variation 1180536 (VCV001180536.4).